The following is an entry in ClinVar:

ClinVar aggregate classification (germline): Pathogenic. Review status: criteria provided, multiple submitters, no conflicts (2 of 4 stars). 6 submissions from 6 submitters: Pathogenic (5). 1 of the submissions does not count toward it. Last evaluated 2024-12-22.

Conditions:
CBS-related disorder. Also called: CBS-related condition.
HYPERHOMOCYSTEINEMIA, THROMBOTIC, CBS-RELATED. Identifiers: MedGen C3150344, OMIM 236200.
Homocystinuria. Identifiers: MedGen C0019880, MONDO:0004737, HP:0002156.
Classic homocystinuria. Also called: Homocystinuria due to Cystathionine Beta-Synthase Deficiency; Homocystinuria due to CBS deficiency; Cystathionine beta-synthase deficiency; CBS deficiency; HOMOCYSTINURIA WITH OR WITHOUT RESPONSE TO PYRIDOXINE. Identifiers: Orphanet 394, MedGen C0751202, MONDO:0009352, OMIM 236200.

Submissions (6):

Natera, Inc.
Classification: Pathogenic for Homocystinuria due to cystathionine beta-synthase deficiency. Last evaluated: 2024-12-22. Review status: criteria provided, single submitter. Criteria: Natera Variant Classification Schema (03/2026). Collection method: clinical testing. Allele origin: germline.
Comment: The c.1566del variant in CBS is a frameshift variant predicted to shift the reading frame beginning at codon 523 and leads to a stop codon 18 codons downstream. This variant is expected to result in nonsense mediated decay, truncation, or a dysfunctional protein product. This variant is rare in the general population with a frequency below the threshold expected for the associated phenotype(s). This variant has been observed in one or more individuals affected with the associated recessive disease, as either homozygous or compound heterozygous with a second variant (PMID: 25638462, 11553052). Given the available evidence, this variant is classified as Pathogenic.

Blueprint Genetics
Classification: Pathogenic for CBS-related disorders. Last evaluated: 2024-08-27. Review status: criteria provided, single submitter. Criteria: ACMG Guidelines, 2015. Collection method: clinical testing. Allele origin: germline. Affected: yes. Observed: 3 variant alleles.

Baylor Genetics
Classification: Pathogenic for Classic homocystinuria. Last evaluated: 2023-09-11. Review status: criteria provided, single submitter. Criteria: ACMG Guidelines, 2015. Collection method: clinical testing. Allele origin: unknown.

Labcorp Genetics (formerly Invitae), Labcorp
Classification: Pathogenic for HYPERHOMOCYSTEINEMIA, THROMBOTIC, CBS-RELATED. Last evaluated: 2023-07-25. Review status: criteria provided, single submitter. Criteria: Invitae Variant Classification Sherloc (09022015). Collection method: clinical testing. Allele origin: germline.
Comment: For these reasons, this variant has been classified as Pathogenic. Experimental studies have shown that this premature translational stop signal affects CBS function (PMID: 25044645). Algorithms developed to predict the effect of variants on protein structure and function are not available or were not evaluated for this variant. ClinVar contains an entry for this variant (Variation ID: 188784). This premature translational stop signal has been observed in individual(s) with homocystinuria due to CBS deficiency (PMID: 12815602, 21520339). In at least one individual the data is consistent with being in trans (on the opposite chromosome) from a pathogenic variant. This variant is not present in population databases (gnomAD no frequency). This sequence change creates a premature translational stop signal (p.Lys523Serfs*18) in the CBS gene. While this is not anticipated to result in nonsense mediated decay, it is expected to disrupt the last 29 amino acid(s) of the CBS protein.

Women's Health and Genetics/Laboratory Corporation of America, LabCorp
Classification: Pathogenic for Homocystinuria. Last evaluated: 2020-03-19. Review status: criteria provided, single submitter. Criteria: LabCorp Variant Classification Summary - May 2015. Collection method: clinical testing. Allele origin: germline.
Comment: Variant summary: CBS c.1566delG (p.Lys523SerfsX18) results in a premature termination codon, predicted to cause a truncation of the encoded protein or absence of the protein due to nonsense mediated decay, which are commonly known mechanisms for disease. Truncations downstream of this position have been classified as pathogenic in ClinVar database. The variant was absent in 248894 control chromosomes (gnomAD). c.1566delG has been reported in the literature in individuals affected with Homocystinuria and patients who were in compound heterozygous or homozygous states displayed null CBS activity (Castro_2001, Urreizti_2003) . These data indicate that the variant is likely to be associated with disease. No clinical diagnostic laboratories have submitted clinical-significance assessments for this variant to ClinVar after 2014. Based on the evidence outlined above, the variant was classified as pathogenic.

Counsyl
Classification: Likely pathogenic for Homocystinuria due to CBS deficiency. Last evaluated: 2014-05-14. Review status: no assertion criteria provided. Collection method: literature only. Allele origin: unknown. Inheritance: Autosomal recessive inheritance. Not counted in ClinVar's aggregate classification.

Literature cited by the submitters: PubMed 25638462 (cited by Natera, Inc.); PubMed 11553052 (cited by Natera, Inc. and Women's Health and Genetics/Laboratory Corporation of America, LabCorp); PubMed 25044645 (cited by Labcorp Genetics (formerly Invitae), Labcorp); PubMed 12815602 (cited by 3 submitters); PubMed 21520339 (cited by Labcorp Genetics (formerly Invitae), Labcorp and Counsyl); PubMed 16429402 (cited by Counsyl).

NM_000071.3(CBS):c.1566del (p.Lys523fs)

Gene: CBS (cystathionine beta-synthase; minus strand). Cytogenetic location: 21q22.3.
Variant type: Deletion.
Coding change: c.1566del on transcript NM_000071.3 (MANE Select); coding-DNA position 1566, one base deleted (G; older notation c.1566delG).
Protein change: p.Lys523fs; shifts the reading frame from lysine 523.
Molecular consequence: frameshift variant.
Genome position (GRCh38, 1-based): chr21:43,053,970, C deleted on the plus strand (G on the coding strand, the reverse complement: CBS is on the minus strand); the first of 3 consecutive C bases (chr21:43,053,970-43,053,972); deleting any one gives the same sequence. VCF-style (leftmost placement, unchanged base first): chr21-43053969-TC-T. GRCh37 (hg19) VCF-style: chr21-44474079-TC-T.
Other names: c.1566delG (NM_000071.2); c.1566del, p.Lys523fs (NM_001178008.3, NM_001178009.3, NM_001320298.2); c.1251del, p.Lys418fs (NM_001321072.1); short protein forms K523fs, K418fs.
Identifiers: ClinVar variation 188784 (VCV000188784.14), dbSNP rs786204466, ClinGen allele CA273951.
Genomic context (GRCh38, chr21:43,053,969, plus strand): 5'-CGAAGTTCAGCAAGTCAATGGCGGTGACCACCCCGAACACCATCTGCCGCTGACTGGACT[TC>T]CCGGTGCTGTGGTCTGAGGGGAGAACGAGGCAGTGGGTTTGCAGGTGCCGTGGGAGGCTG-3'